The following is an entry in ClinVar:

NM_198252.3(GSN):c.2063A>G (p.Asp688Gly)

Gene: GSN (gelsolin; plus strand). Cytogenetic location: 9q33.2.
Variant type: single nucleotide variant.
Coding change: c.2063A>G on transcript NM_198252.3 (MANE Select); coding-DNA position 2063, A replaced by G.
Protein change: p.Asp688Gly; replaces aspartic acid 688 with glycine.
Molecular consequence: missense variant.
Genome position (GRCh38, 1-based): chr9:121,332,470, A>G. VCF-style: chr9-121332470-A-G. GRCh37 (hg19) VCF-style: chr9-124094748-A-G.
Other names: c.2216A>G, p.Asp739Gly (NM_000177.5); c.2063A>G, p.Asp688Gly (NM_001127662.2, NM_001127664.2, NM_001127665.2 and 10 more transcripts); c.2171A>G, p.Asp724Gly (NM_001127663.2); c.2096A>G, p.Asp699Gly (NM_001127666.2, NM_001127667.2, NM_001353063.2 and 13 more transcripts); c.2114A>G, p.Asp705Gly (NM_001258029.2); c.2087A>G, p.Asp696Gly (NM_001258030.2); c.2135A>G, p.Asp712Gly (NM_001353076.2); c.1409A>G, p.Asp470Gly (NM_001353078.2); short protein forms D470G, D696G, D724G, D688G, D712G, D739G, D699G, D705G.
Identifiers: ClinVar variation 4745053 (VCV004745053.1).

ClinVar aggregate classification (germline): Uncertain significance (1 of 4 stars; one submission).

Submission:

Labcorp Genetics (formerly Invitae), Labcorp
Classification: Uncertain significance. Last evaluated: 2025-05-07. Review status: criteria provided, single submitter. Criteria: Invitae Variant Classification Sherloc (09022015). Collection method: clinical testing. Allele origin: germline.
Comment: This sequence change replaces aspartic acid, which is acidic and polar, with glycine, which is neutral and non-polar, at codon 739 of the GSN protein (p.Asp739Gly). This variant is not present in population databases (gnomAD no frequency). This variant has not been reported in the literature in individuals affected with GSN-related conditions. Invitae Evidence Modeling of protein sequence and biophysical properties (such as structural, functional, and spatial information, amino acid conservation, physicochemical variation, residue mobility, and thermodynamic stability) has been performed for this missense variant. However, the output from this modeling did not meet the statistical confidence thresholds required to predict the impact of this variant on GSN protein function. In summary, the available evidence is currently insufficient to determine the role of this variant in disease. Therefore, it has been classified as a Variant of Uncertain Significance.